The following is an entry in ClinVar:

NM_000787.4(DBH):c.1444G>A (p.Gly482Arg)

Genes: DBH (dopamine beta-hydroxylase; plus strand), DBH-AS1 (DBH antisense RNA 1; minus strand). Cytogenetic location: 9q34.2.
Variant type: single nucleotide variant.
Coding change: c.1444G>A on transcript NM_000787.4 (MANE Select); coding-DNA position 1444, G replaced by A.
Protein change: p.Gly482Arg; replaces glycine 482 with arginine.
Molecular consequence: missense variant. On other transcripts: non-coding transcript variant (1).
Genome position (GRCh38, 1-based): chr9:133,656,532, G>A. VCF-style: chr9-133656532-G-A. GRCh37 (hg19) VCF-style: chr9-136521654-G-A.
Other names: short protein forms G482R.
Identifiers: ClinVar variation 529773 (VCV000529773.20), dbSNP rs41316996, ClinGen allele CA5313546.

ClinVar aggregate classification (germline): Conflicting classifications of pathogenicity. Review status: criteria provided, conflicting classifications (1 of 4 stars). 5 submissions from 5 submitters: Uncertain significance (2); Likely benign (2). 1 of the submissions does not count toward it. Last evaluated 2026-02-01.

Conditions:
DBH-related disorder. Also called: DBH-related condition.
Orthostatic hypotension 1 (ORTHYP1). Also called: NORADRENALINE DEFICIENCY; NOREPINEPHRINE DEFICIENCY; Dopamine beta-hydroxylase deficiency; Orthostatic hypotension 1, due to DBH deficiency. Identifiers: Orphanet 230, MedGen C4746777, MONDO:0009123, OMIM 223360.

Allele frequency attached by ClinVar (database versions not stated): 1000 Genomes Project 0.00040; 1000 Genomes Project 30x 0.00047; gnomAD exomes 0.00155 and 0.00265; ExAC 0.00171; gnomAD 0.00179 and 0.00180; TOPMed 0.00179; ESP Exome Variant Server 0.00200.

Submissions (5):

Labcorp Genetics (formerly Invitae), Labcorp
Classification: Likely benign for Orthostatic hypotension 1. Last evaluated: 2026-02-01. Review status: criteria provided, single submitter. Criteria: Invitae Variant Classification Sherloc (09022015). Collection method: clinical testing. Allele origin: germline.

Blueprint Genetics
Classification: Likely benign. Last evaluated: 2024-11-26. Review status: criteria provided, single submitter. Criteria: ACMG Guidelines, 2015. Collection method: clinical testing. Allele origin: germline.

GeneDx
Classification: Uncertain significance. Last evaluated: 2022-09-02. Review status: criteria provided, single submitter. Criteria: GeneDx Variant Classification Process June 2021. Collection method: clinical testing. Allele origin: germline. Affected: yes.
Comment: In silico analysis supports that this missense variant has a deleterious effect on protein structure/function; Has not been previously published as pathogenic or benign to our knowledge; This variant is associated with the following publications: (PMID: 25450229, 22028891)

Illumina Laboratory Services, Illumina
Classification: Uncertain significance for Orthostatic hypotension 1. Last evaluated: 2017-04-27. Review status: criteria provided, single submitter. Criteria: ICSL Variant Classification Criteria 13 December 2019. Collection method: clinical testing. Allele origin: germline.
Comment: This variant was observed as part of a predisposition screen in an ostensibly healthy population. A literature search was performed for the gene, cDNA change, and amino acid change (where applicable). Publications were found based on this search. However, the evidence from the literature, in combination with allele frequency data from public databases where available, was not sufficient to rule this variant in or out of causing disease. Therefore, this variant is classified as a variant of unknown significance.

PreventionGenetics, part of Exact Sciences
Classification: Likely benign for DBH-related condition. Last evaluated: 2022-03-14. Review status: no assertion criteria provided. Collection method: clinical testing. Allele origin: germline. Not counted in ClinVar's aggregate classification.
Comment: This variant is classified as likely benign based on ACMG/AMP sequence variant interpretation guidelines (Richards et al. 2015 PMID: 25741868, with internal and published modifications).

Literature cited by the submitters: PubMed 25450229 (cited by Illumina Laboratory Services, Illumina); PubMed 22028891 (cited by Illumina Laboratory Services, Illumina).